The following is an entry in ClinVar:

NM_001007553.3(CSDE1):c.1198C>T (p.Leu400Phe)

Gene: CSDE1 (cold shock domain containing E1; minus strand). Cytogenetic location: 1p13.2.
Variant type: single nucleotide variant.
Coding change: c.1198C>T on transcript NM_001007553.3 (MANE Select); coding-DNA position 1198, C replaced by T.
Protein change: p.Leu400Phe; replaces leucine 400 with phenylalanine.
Molecular consequence: missense variant.
Genome position (GRCh38, 1-based): chr1:114,730,416, G>A on the plus strand (C>T on the coding strand, the complement: CSDE1 is on the minus strand). VCF-style: chr1-114730416-G-A. GRCh37 (hg19) VCF-style: chr1-115273037-G-A.
Other names: c.1243C>T, p.Leu415Phe (NM_001130523.3); c.1336C>T, p.Leu446Phe (NM_001242891.2); c.1198C>T, p.Leu400Phe (NM_001242892.2); c.1105C>T, p.Leu369Phe (NM_001242893.2, NM_007158.6); short protein forms L369F, L400F, L415F, L446F.
Identifiers: ClinVar variation 1302066 (VCV001302066.3), dbSNP rs2101033296, ClinGen allele CA341754427.
Genomic context (GRCh38, chr1:114,730,416, plus strand): 5'-ATGAAACCGTGCCCTTGGGAAGTTTTTTAATCCTAATAGCATGATTTCTTTGAGCAGAGA[G>A]CATATCCTAAAAATGATAAAACAAAATTAACTTTCAATTGAAAAAGAAAGCATCAAGAAA-3'
Protein context (NP_001007554.1, residues 390-410): EVEFTVVPDM[Leu400Phe]SAQRNHAIRI

ClinVar aggregate classification (germline): Likely benign (1 of 4 stars; one submission).

Submission:

GeneDx
Classification: Likely benign. Last evaluated: 2023-07-06. Review status: criteria provided, single submitter. Criteria: GeneDx Variant Classification Process June 2021. Collection method: clinical testing. Allele origin: germline. Affected: yes.
Comment: In silico analysis, which includes protein predictors and evolutionary conservation, supports that this variant does not alter protein structure/function; Not observed in large population cohorts (gnomAD); Has not been previously published as pathogenic or benign to our knowledge